The following is an entry in ClinVar:

NM_133433.4(NIPBL):c.422A>G (p.Asn141Ser)

Gene: NIPBL (NIPBL cohesin loading factor; plus strand). Cytogenetic location: 5p13.2.
Variant type: single nucleotide variant.
Coding change: c.422A>G on transcript NM_133433.4 (MANE Select); coding-DNA position 422, A replaced by G.
Protein change: p.Asn141Ser; replaces asparagine 141 with serine.
Molecular consequence: missense variant.
Genome position (GRCh38, 1-based): chr5:36,961,547, A>G. VCF-style: chr5-36961547-A-G. GRCh37 (hg19) VCF-style: chr5-36961649-A-G.
Other names: c.422A>G, p.Asn141Ser (NM_001438586.1, NM_015384.5); short protein forms N141S.
Identifiers: ClinVar variation 4754025 (VCV004754025.1).

ClinVar aggregate classification (germline): Uncertain significance (1 of 4 stars; one submission).

Conditions:
Cornelia de Lange syndrome 1 (CDLS1). Also called: Brachmann de Lange syndrome; NIPBL-Related Cornelia de Lange Syndrome; TYPUS DEGENERATIVUS AMSTELODAMENSIS. Identifiers: Orphanet 199, MedGen C4551851, MONDO:0007387, OMIM 122470.

gnomAD v4.1: 6 of 1,610,770 alleles (0.00037%); highest among the groups gnomAD compares: East Asian, 0.0045%; no homozygotes.

Submission:

Labcorp Genetics (formerly Invitae), Labcorp
Classification: Uncertain significance for Cornelia de Lange syndrome 1. Last evaluated: 2025-07-06. Review status: criteria provided, single submitter. Criteria: Invitae Variant Classification Sherloc (09022015). Collection method: clinical testing. Allele origin: germline.
Comment: This sequence change replaces asparagine, which is neutral and polar, with serine, which is neutral and polar, at codon 141 of the NIPBL protein (p.Asn141Ser). This variant is present in population databases (no rsID available, gnomAD 0.005%). This variant has not been reported in the literature in individuals affected with NIPBL-related conditions. Invitae Evidence Modeling of protein sequence and biophysical properties (such as structural, functional, and spatial information, amino acid conservation, physicochemical variation, residue mobility, and thermodynamic stability) has been performed for this missense variant. However, the output from this modeling did not meet the statistical confidence thresholds required to predict the impact of this variant on NIPBL protein function. In summary, the available evidence is currently insufficient to determine the role of this variant in disease. Therefore, it has been classified as a Variant of Uncertain Significance.